The following is an entry in ClinVar:

NM_203447.4(DOCK8):c.3134C>G (p.Ala1045Gly)

Gene: DOCK8 (dedicator of cytokinesis 8; plus strand). Cytogenetic location: 9p24.3.
Variant type: single nucleotide variant.
Coding change: c.3134C>G on transcript NM_203447.4 (MANE Select); coding-DNA position 3134, C replaced by G.
Protein change: p.Ala1045Gly; replaces alanine 1045 with glycine.
Molecular consequence: missense variant.
Genome position (GRCh38, 1-based): chr9:399,159, C>G. VCF-style: chr9-399159-C-G. GRCh37 (hg19) VCF-style: chr9-399159-C-G.
Other names: c.2834C>G, p.Ala945Gly (NM_001190458.2); c.2930C>G, p.Ala977Gly (NM_001193536.2); short protein forms A1045G, A977G, A945G.
Identifiers: ClinVar variation 1495697 (VCV001495697.5), dbSNP rs755658263, ClinGen allele CA4958529.

ClinVar aggregate classification (germline): Uncertain significance (1 of 4 stars; one submission).

Conditions:
Combined immunodeficiency due to DOCK8 deficiency (HIES2). Also called: HIES autosomal recessive; DOCK8 Deficiency; Hyper-IgE recurrent infection syndrome, autosomal recessive; HYPER-IgE SYNDROME 2, AUTOSOMAL RECESSIVE, WITH RECURRENT INFECTIONS; HYPER-IgE RECURRENT INFECTION SYNDROME 2, AUTOSOMAL RECESSIVE. Identifiers: Orphanet 217390, MedGen C4722305, MONDO:0009478, OMIM 243700.

gnomAD v4.1: 3 of 1,613,820 alleles (0.00019%); highest among the groups gnomAD compares: South Asian, 0.0022%; no homozygotes.

Submission:

Labcorp Genetics (formerly Invitae), Labcorp
Classification: Uncertain significance for Combined immunodeficiency due to DOCK8 deficiency. Last evaluated: 2021-09-24. Review status: criteria provided, single submitter. Criteria: Invitae Variant Classification Sherloc (09022015). Collection method: clinical testing. Allele origin: germline.
Comment: This sequence change replaces alanine with glycine at codon 1045 of the DOCK8 protein (p.Ala1045Gly). The alanine residue is highly conserved and there is a small physicochemical difference between alanine and glycine. This variant is present in population databases (rs755658263, ExAC 0.006%). This variant has not been reported in the literature in individuals with DOCK8-related conditions. Algorithms developed to predict the effect of missense changes on protein structure and function are either unavailable or do not agree on the potential impact of this missense change (SIFT: "Deleterious"; PolyPhen-2: "Possibly Damaging"; Align-GVGD: "Class C0"). In summary, the available evidence is currently insufficient to determine the role of this variant in disease. Therefore, it has been classified as a Variant of Uncertain Significance.